The following is an entry in ClinVar:

NM_203314.3(BDH1):c.574A>G (p.Asn192Asp)

Gene: BDH1 (3-hydroxybutyrate dehydrogenase 1). Cytogenetic location: 3q29.
Variant type: single nucleotide variant.
Coding change: c.574A>G on transcript NM_203314.3 (MANE Select); coding-DNA position 574, A replaced by G.
Protein change: p.Asn192Asp; replaces asparagine 192 with aspartic acid.
Molecular consequence: missense variant.
Genome position (GRCh38, 1-based): chr3:197,512,353, T>C on the plus strand (A>G on the coding strand, the complement: BDH1 is on the minus strand). VCF-style: chr3-197512353-T-C. GRCh37 (hg19) VCF-style: chr3-197239224-T-C.
Other names: c.574A>G, p.Asn192Asp (NM_004051.5, NM_203315.3); short protein forms N192D.
Identifiers: ClinVar variation 2631871 (VCV002631871.1), dbSNP rs766839210, ClinGen allele CA2786079.

ClinVar aggregate classification (germline): Uncertain significance (1 of 4 stars; one submission).

Conditions:
BDH1-related disorder. Also called: BDH1-related condition.

Allele frequency attached by ClinVar (database versions not stated): TOPMed 0.00001; ExAC 0.00002.
gnomAD v4.1: 4 of 1,605,242 alleles (0.00025%); highest among the groups gnomAD compares: East Asian, 0.0089%; no homozygotes.

Submission:

PreventionGenetics, part of Exact Sciences
Classification: Uncertain significance for BDH1-related condition. Last evaluated: 2022-09-08. Review status: criteria provided, single submitter. Criteria: ACMG Guidelines, 2015. Collection method: clinical testing. Allele origin: germline.
Comment: The BDH1 c.574A>G variant is predicted to result in the amino acid substitution p.Asn192Asp. To our knowledge, this variant has not been reported in the literature. This variant is reported in 0.022% of alleles in individuals of East Asian descent in gnomAD. At this time, the clinical significance of this variant is uncertain due to the absence of conclusive functional and genetic evidence.